The following is an entry in ClinVar:

NM_004371.4(COPA):c.1754G>A (p.Cys585Tyr)

Gene: COPA (coat protein complex I subunit alpha; minus strand). Cytogenetic location: 1q23.2.
Variant type: single nucleotide variant.
Coding change: c.1754G>A on transcript NM_004371.4 (MANE Select); coding-DNA position 1754, G replaced by A.
Protein change: p.Cys585Tyr; replaces cysteine 585 with tyrosine.
Molecular consequence: missense variant.
Genome position (GRCh38, 1-based): chr1:160,299,178, C>T on the plus strand (G>A on the coding strand, the complement: COPA is on the minus strand). VCF-style: chr1-160299178-C-T. GRCh37 (hg19) VCF-style: chr1-160268968-C-T.
Other names: c.1781G>A, p.Cys594Tyr (NM_001098398.2); short protein forms C585Y, C594Y.
Identifiers: ClinVar variation 3495943 (VCV003495943.2).
Genomic context (GRCh38, chr1:160,299,178, plus strand): 5'-TTGATCAGGGCCAGCTTGAATTTGAACTCAGTGGGATCAATGGTGAGTACCCGGGGACGA[C>T]ACTCCCTGTCTAGGCAGTATACATTGTTGCCCTTCACCCGTGTGACATAGATGGGTAAAT-3'
Protein context (NP_004362.2, residues 575-595): GNNVYCLDRE[Cys585Tyr]RPRVLTIDPT

ClinVar aggregate classification (germline): Uncertain significance. Review status: criteria provided, multiple submitters, no conflicts (2 of 4 stars). 2 submissions from 2 submitters: Uncertain significance (2). Last evaluated 2025-11-23.

Conditions:
Autoimmune interstitial lung disease-arthritis syndrome. Also called: Autoinflammation and autoimmunity, systemic, with immune dysregulation. Identifiers: Orphanet 444092, MedGen C5975714, MONDO:0014629.
Inborn genetic diseases. Identifiers: MedGen C0950123, MeSH D030342.

Submissions (2):

Labcorp Genetics (formerly Invitae), Labcorp
Classification: Uncertain significance for Autoimmune interstitial lung disease-arthritis syndrome. Last evaluated: 2025-11-23. Review status: criteria provided, single submitter. Criteria: Invitae Variant Classification Sherloc (09022015). Collection method: clinical testing. Allele origin: germline.
Comment: This sequence change replaces cysteine, which is neutral and slightly polar, with tyrosine, which is neutral and polar, at codon 585 of the COPA protein (p.Cys585Tyr). This variant is present in population databases (no rsID available, gnomAD 0.0009%). This variant has not been reported in the literature in individuals affected with COPA-related conditions. ClinVar contains an entry for this variant (Variation ID: 3495943). Invitae Evidence Modeling of protein sequence and biophysical properties (such as structural, functional, and spatial information, amino acid conservation, physicochemical variation, residue mobility, and thermodynamic stability) indicates that this missense variant is not expected to disrupt COPA protein function with a negative predictive value of 80%. In summary, the available evidence is currently insufficient to determine the role of this variant in disease. Therefore, it has been classified as a Variant of Uncertain Significance.

Ambry Genetics
Classification: Uncertain significance for Inborn genetic diseases. Last evaluated: 2024-10-04. Review status: criteria provided, single submitter. Criteria: Ambry Variant Classification Scheme 2023. Collection method: clinical testing. Allele origin: germline.